The following is an entry in ClinVar:

ClinVar aggregate classification (germline): Pathogenic (1 of 4 stars; one submission).

Conditions:
Propionic acidemia (PROP). Also called: GLYCINEMIA, KETOTIC; HYPERGLYCINEMIA WITH KETOACIDOSIS AND LEUKOPENIA; KETOTIC HYPERGLYCINEMIA. Identifiers: Orphanet 35, MedGen C0268579, MONDO:0011628, OMIM 606054, HP:0003571.

Submission:

Labcorp Genetics (formerly Invitae), Labcorp
Classification: Pathogenic for Propionic acidemia. Last evaluated: 2023-11-20. Review status: criteria provided, single submitter. Criteria: Invitae Variant Classification Sherloc (09022015). Collection method: clinical testing. Allele origin: germline.
Comment: This variant is a gross deletion of the genomic region encompassing exon(s) 23-24 of the PCCA gene, which includes the termination codon. This deletion extends beyond the assayed region for this gene and therefore may encompass additional genes. While this deletion is not anticipated to lead to nonsense mediated decay, it is expected to alter mRNA translation or result in a truncated protein product. This variant has not been reported in the literature in individuals affected with PCCA-related conditions. The region of the PCCA gene that includes exon(s) 23 has been determined to be clinically significant (PMID: 19157943, 22033733). Therefore, deletions that encompass that region are likely to be disease-causing. For these reasons, this variant has been classified as Pathogenic.

Literature cited by the submitters: PubMed 19157943; PubMed 22033733.

NC_000013.10:g.(?_101179909)_(101182420_?)del

Genes: GGACT (gamma-glutamylamine cyclotransferase; minus strand), PCCA (propionyl-CoA carboxylase subunit alpha; plus strand). Cytogenetic location: 13q32.3.
Variant type: Deletion.
Identifiers: ClinVar variation 1459911 (VCV001459911.5).